The following is an entry in ClinVar:

ClinVar aggregate classification (germline): Uncertain significance (1 of 4 stars; one submission).

Allele frequency attached by ClinVar (database versions not stated): TOPMed 0.00001; gnomAD exomes 0.00002.

Submission:

Labcorp Genetics (formerly Invitae), Labcorp
Classification: Uncertain significance. Last evaluated: 2023-06-17. Review status: criteria provided, single submitter. Criteria: Invitae Variant Classification Sherloc (09022015). Collection method: clinical testing. Allele origin: germline.
Comment: This variant is present in population databases (no rsID available, gnomAD 0.0009%). This sequence change replaces methionine, which is neutral and non-polar, with threonine, which is neutral and polar, at codon 1034 of the STAG1 protein (p.Met1034Thr). This variant has not been reported in the literature in individuals affected with STAG1-related conditions. In summary, the available evidence is currently insufficient to determine the role of this variant in disease. Therefore, it has been classified as a Variant of Uncertain Significance. Advanced modeling of protein sequence and biophysical properties (such as structural, functional, and spatial information, amino acid conservation, physicochemical variation, residue mobility, and thermodynamic stability) performed at Invitae indicates that this missense variant is not expected to disrupt STAG1 protein function.

NM_005862.3(STAG1):c.3101T>C (p.Met1034Thr)

Gene: STAG1 (STAG1 cohesin complex component; minus strand). Cytogenetic location: 3q22.3.
Variant type: single nucleotide variant.
Coding change: c.3101T>C on transcript NM_005862.3 (MANE Select); coding-DNA position 3101, T replaced by C.
Protein change: p.Met1034Thr; replaces methionine 1034 with threonine.
Molecular consequence: missense variant.
Genome position (GRCh38, 1-based): chr3:136,349,328, A>G on the plus strand (T>C on the coding strand, the complement: STAG1 is on the minus strand). VCF-style: chr3-136349328-A-G. GRCh37 (hg19) VCF-style: chr3-136068170-A-G.
Other names: short protein forms M1034T.
Identifiers: ClinVar variation 2781276 (VCV002781276.3), dbSNP rs1239483845, ClinGen allele CA354642765.